The following is an entry in ClinVar:

ClinVar aggregate classification (germline): Uncertain significance. Review status: criteria provided, multiple submitters, no conflicts (2 of 4 stars). 2 submissions from 2 submitters: Uncertain significance (2). Last evaluated 2023-05-20.

Allele frequency attached by ClinVar (database versions not stated): TOPMed 0.00003; gnomAD 0.00005; ExAC 0.00011.
gnomAD v4.1: 75 of 1,548,224 alleles (0.0048%); highest among the groups gnomAD compares: Middle Eastern, 0.036%; no homozygotes.

Submissions (2):

Labcorp Genetics (formerly Invitae), Labcorp
Classification: Uncertain significance. Last evaluated: 2023-05-20. Review status: criteria provided, single submitter. Criteria: Invitae Variant Classification Sherloc (09022015). Collection method: clinical testing. Allele origin: germline.
Comment: In summary, the available evidence is currently insufficient to determine the role of this variant in disease. Therefore, it has been classified as a Variant of Uncertain Significance. An algorithm developed to predict the effect of missense changes on protein structure and function (PolyPhen-2) suggests that this variant is likely to be disruptive. This variant has not been reported in the literature in individuals affected with FUK-related conditions. This variant is present in population databases (rs762940591, gnomAD 0.03%). This sequence change replaces arginine, which is basic and polar, with glutamine, which is neutral and polar, at codon 669 of the FUK protein (p.Arg669Gln).

Breakthrough Genomics
Classification: Uncertain significance. Review status: criteria provided, single submitter. Criteria: ACMG Guidelines, 2015. Collection method: not provided. Allele origin: germline. Inheritance: Autosomal recessive inheritance. Affected: yes.

NM_145059.3(FCSK):c.2006G>A (p.Arg669Gln)

Gene: FCSK (fucose kinase; plus strand). Cytogenetic location: 16q22.1.
Variant type: single nucleotide variant.
Coding change: c.2006G>A on transcript NM_145059.3 (MANE Select); coding-DNA position 2006, G replaced by A.
Protein change: p.Arg669Gln; replaces arginine 669 with glutamine.
Molecular consequence: missense variant.
Genome position (GRCh38, 1-based): chr16:70,474,545, G>A. VCF-style: chr16-70474545-G-A. GRCh37 (hg19) VCF-style: chr16-70508448-G-A.
Other names: short protein forms R669Q.
Identifiers: ClinVar variation 2886168 (VCV002886168.4), dbSNP rs762940591, ClinGen allele CA8143474.
Genomic context (GRCh38, chr16:70,474,545, plus strand): 5'-GCTTGGGGCTGCATGCCACCATCCCTCCCCCTTCTCTTGGCAGGCCAGCCTTGCTGGTGC[G>A]AGCGGCCCGCCACTATGAGGGGGCTGGTCAGATCCTGATCCGCCAGGCTGTGATGTCAGC-3'
Protein context (NP_659496.2, residues 659-679): KWLSRPALLV[Arg669Gln]AARHYEGAGQ